The following is an entry in ClinVar:

ClinVar aggregate classification (germline): Uncertain significance (1 of 4 stars; one submission).

gnomAD v4.1: 45 of 1,614,170 alleles (0.0028%); highest among the groups gnomAD compares: Non-Finnish European, 0.0034%; no homozygotes.

Submission:

Labcorp Genetics (formerly Invitae), Labcorp
Classification: Uncertain significance. Last evaluated: 2024-11-13. Review status: criteria provided, single submitter. Criteria: Invitae Variant Classification Sherloc (09022015). Collection method: clinical testing. Allele origin: germline.
Comment: This sequence change replaces arginine, which is basic and polar, with tryptophan, which is neutral and slightly polar, at codon 198 of the MRPS7 protein (p.Arg198Trp). This variant is present in population databases (rs115547615, gnomAD 0.008%). This variant has not been reported in the literature in individuals affected with MRPS7-related conditions. Invitae Evidence Modeling of protein sequence and biophysical properties (such as structural, functional, and spatial information, amino acid conservation, physicochemical variation, residue mobility, and thermodynamic stability) has been performed for this missense variant. However, the output from this modeling did not meet the statistical confidence thresholds required to predict the impact of this variant on MRPS7 protein function. In summary, the available evidence is currently insufficient to determine the role of this variant in disease. Therefore, it has been classified as a Variant of Uncertain Significance.

NM_015971.4(MRPS7):c.592C>T (p.Arg198Trp)

Gene: MRPS7 (mitochondrial ribosomal protein S7; plus strand). Cytogenetic location: 17q25.1.
Variant type: single nucleotide variant.
Coding change: c.592C>T on transcript NM_015971.4 (MANE Select); coding-DNA position 592, C replaced by T.
Protein change: p.Arg198Trp; replaces arginine 198 with tryptophan.
Molecular consequence: missense variant.
Genome position (GRCh38, 1-based): chr17:75,265,786, C>T. VCF-style: chr17-75265786-C-T. GRCh37 (hg19) VCF-style: chr17-73261867-C-T.
Other names: short protein forms R198W.
Identifiers: ClinVar variation 3604186 (VCV003604186.2).